The following is an entry in ClinVar:

NM_138694.4(PKHD1):c.3805G>A (p.Val1269Met)

Gene: PKHD1 (PKHD1 ciliary IPT domain containing fibrocystin/polyductin; minus strand). Cytogenetic location: 6p12.2.
Variant type: single nucleotide variant.
Coding change: c.3805G>A on transcript NM_138694.4 (MANE Select); coding-DNA position 3805, G replaced by A.
Protein change: p.Val1269Met; replaces valine 1269 with methionine.
Molecular consequence: missense variant.
Genome position (GRCh38, 1-based): chr6:52,026,005, C>T on the plus strand (G>A on the coding strand, the complement: PKHD1 is on the minus strand). VCF-style: chr6-52026005-C-T. GRCh37 (hg19) VCF-style: chr6-51890803-C-T.
Other names: c.3805G>A, p.Val1269Met (NM_170724.3); short protein forms V1269M.
Identifiers: ClinVar variation 3593938 (VCV003593938.4).

ClinVar aggregate classification (germline): Uncertain significance. Review status: criteria provided, multiple submitters, no conflicts (2 of 4 stars). 4 submissions from 4 submitters: Uncertain significance (4). Last evaluated 2026-03-30.

Conditions:
Polycystic kidney disease 4 (PKD4). Also called: POLYCYSTIC KIDNEY DISEASE 4 WITH OR WITHOUT POLYCYSTIC LIVER DISEASE; PKD3; POLYCYSTIC KIDNEY AND HEPATIC DISEASE 1; POLYCYSTIC KIDNEY DISEASE, INFANTILE, TYPE I; Autosomal Recessive Polycystic Kidney Disease – PKHD1. Identifiers: MedGen C4540575, MONDO:0033004, OMIM 263200.
Autosomal recessive polycystic kidney disease (ARPKD). Also called: AR polycystic kidney disease. Identifiers: Orphanet 731, Orphanet 8378, MedGen C0085548, MeSH D017044, MONDO:0009889.

gnomAD v4.1: 57 of 1,614,150 alleles (0.0035%); highest among the groups gnomAD compares: East Asian, 0.0045%; no homozygotes.

Submissions (4):

Myriad Genetics, Inc.
Classification: Uncertain significance for Polycystic kidney disease 4. Last evaluated: 2026-03-30. Review status: criteria provided, single submitter. Criteria: Myriad Autosomal Dominant, Autosomal Recessive and X-Linked Classification Criteria (2023). Collection method: clinical testing. Allele origin: unknown.
Comment: NM_138694.3(PKHD1):c.3805G>A(V1269M) is a missense variant classified as a variant of uncertain significance in the context of autosomal recessive polycystic kidney disease, PKHD1-related. V1269M has been observed in a case with relevant disease (PMID: 39473742). Relevant functional assessments of this variant are not available in the literature. V1269M has been observed in referenced population frequency databases. In summary, there is insufficient evidence to classify NM_138694.3(PKHD1):c.3805G>A(V1269M) as pathogenic or benign. Please note: this variant was assessed in the context of healthy population screening.

Labcorp Genetics (formerly Invitae), Labcorp
Classification: Uncertain significance for Autosomal recessive polycystic kidney disease. Last evaluated: 2024-07-01. Review status: criteria provided, single submitter. Criteria: Invitae Variant Classification Sherloc (09022015). Collection method: clinical testing. Allele origin: germline.
Comment: This sequence change replaces valine, which is neutral and non-polar, with methionine, which is neutral and non-polar, at codon 1269 of the PKHD1 protein (p.Val1269Met). This variant is present in population databases (rs139820610, gnomAD 0.007%). This variant has not been reported in the literature in individuals affected with PKHD1-related conditions. Advanced modeling of protein sequence and biophysical properties (such as structural, functional, and spatial information, amino acid conservation, physicochemical variation, residue mobility, and thermodynamic stability) performed at Invitae indicates that this missense variant is not expected to disrupt PKHD1 protein function with a negative predictive value of 95%. In summary, the available evidence is currently insufficient to determine the role of this variant in disease. Therefore, it has been classified as a Variant of Uncertain Significance.

Fulgent Genetics
Classification: Uncertain significance for Polycystic kidney disease 4. Last evaluated: 2024-01-09. Review status: criteria provided, single submitter. Criteria: ACMG Guidelines, 2015. Collection method: clinical testing. Allele origin: germline.

Blueprint Genetics
Classification: Uncertain significance. Last evaluated: 2023-10-24. Review status: criteria provided, single submitter. Criteria: ACMG Guidelines, 2015. Collection method: clinical testing. Allele origin: germline.

Literature cited by the submitters: PubMed 39473742 (cited by Myriad Genetics, Inc.).